The following is an entry in ClinVar:

NM_198253.3(TERT):c.2435T>C (p.Phe812Ser)

Gene: TERT (telomerase reverse transcriptase; minus strand). Cytogenetic location: 5p15.33.
Variant type: single nucleotide variant.
Coding change: c.2435T>C on transcript NM_198253.3 (MANE Select); coding-DNA position 2435, T replaced by C.
Protein change: p.Phe812Ser; replaces phenylalanine 812 with serine.
Molecular consequence: missense variant.
Genome position (GRCh38, 1-based): chr5:1,271,152, A>G on the plus strand (T>C on the coding strand, the complement: TERT is on the minus strand). VCF-style: chr5-1271152-A-G. GRCh37 (hg19) VCF-style: chr5-1271267-A-G.
Other names: c.2435T>C, p.Phe812Ser (NM_001193376.3, NM_003219.1); short protein forms F812S.
Identifiers: ClinVar variation 3238560 (VCV003238560.1), dbSNP rs2478200186.

ClinVar aggregate classification (germline): Uncertain significance (1 of 4 stars; one submission).

Conditions:
Dyskeratosis congenita. Identifiers: Orphanet 1775, MedGen C0265965, MONDO:0015780.

Submission:

Ambry Genetics
Classification: Uncertain significance for Dyskeratosis congenita. Last evaluated: 2023-11-16. Review status: criteria provided, single submitter. Criteria: Ambry Variant Classification Scheme 2023. Collection method: clinical testing. Allele origin: germline.
Comment: The p.F812S variant (also known as c.2435T>C), located in coding exon 8 of the TERT gene, results from a T to C substitution at nucleotide position 2435. The phenylalanine at codon 812 is replaced by serine, an amino acid with highly dissimilar properties. This amino acid position is conserved. In addition, the in silico prediction for this alteration is inconclusive. Since supporting evidence is limited at this time, the clinical significance of this alteration remains unclear.